The following is an entry in ClinVar:

NM_005057.4(RBBP5):c.658C>G (p.Arg220Gly)

Gene: RBBP5 (RB binding protein 5, histone lysine methyltransferase complex subunit; minus strand). Cytogenetic location: 1q32.1.
Variant type: single nucleotide variant.
Coding change: c.658C>G on transcript NM_005057.4 (MANE Select); coding-DNA position 658, C replaced by G.
Protein change: p.Arg220Gly; replaces arginine 220 with glycine.
Molecular consequence: missense variant.
Genome position (GRCh38, 1-based): chr1:205,100,246, G>C on the plus strand (C>G on the coding strand, the complement: RBBP5 is on the minus strand). VCF-style: chr1-205100246-G-C. GRCh37 (hg19) VCF-style: chr1-205069374-G-C.
Other names: c.658C>G, p.Arg220Gly (NM_001193272.2); c.277C>G, p.Arg93Gly (NM_001193273.2); short protein forms R220G, R93G.
Identifiers: ClinVar variation 4863043 (VCV004863043.1).
Genomic context (GRCh38, chr1:205,100,246, plus strand): 5'-CAGGCTCTCCATCTCTTCCACATGTTAAGATTTCTCTGCCATCATAAACTCTGATTATTC[G>C]ATCTGCCGTGTTAATTAAAAAGCAACTACGGGAAGGATAAAAATATCAACACCAGAGGTC-3'
Protein context (NP_005048.2, residues 210-230): GSCFLINTAD[Arg220Gly]IIRVYDGREI

ClinVar aggregate classification (germline): Uncertain significance (1 of 4 stars; one submission).

gnomAD v4.1: 1 of 1,613,898 alleles (0.000062%); highest among the groups gnomAD compares: Non-Finnish European, 0.000085%; no homozygotes.

Submission:

Ambry Genetics
Classification: Uncertain significance. Last evaluated: 2026-04-06. Review status: criteria provided, single submitter. Criteria: Ambry Variant Classification Scheme 2023. Collection method: clinical testing. Allele origin: germline.
Comment: The c.658C>G (p.R220G) alteration is located in exon 7 (coding exon 7) of the RBBP5 gene. This alteration results from a C to G substitution at nucleotide position 658, causing the arginine (R) at amino acid position 220 to be replaced by a glycine (G). Based on data from gnomAD, the G allele has an overall frequency of <0.001% (1/250572) total alleles studied. The highest observed frequency was 0.001% (1/113116) of European (non-Finnish) alleles. Based on insufficient or conflicting evidence, the clinical significance of this alteration remains unclear.